The following is an entry in ClinVar:

NM_205836.3(FBXO38):c.1394G>A (p.Arg465His)

Gene: FBXO38 (F-box protein 38; plus strand). Cytogenetic location: 5q32.
Variant type: single nucleotide variant.
Coding change: c.1394G>A on transcript NM_205836.3 (MANE Select); coding-DNA position 1394, G replaced by A.
Protein change: p.Arg465His; replaces arginine 465 with histidine.
Molecular consequence: missense variant.
Genome position (GRCh38, 1-based): chr5:148,416,057, G>A. VCF-style: chr5-148416057-G-A. GRCh37 (hg19) VCF-style: chr5-147795620-G-A.
Other names: c.1394G>A, p.Arg465His (NM_001271723.2, NM_030793.5); short protein forms R465H.
Identifiers: ClinVar variation 473948 (VCV000473948.17), dbSNP rs200187682, ClinGen allele CA3497263.
Genomic context (GRCh38, chr5:148,416,057, plus strand): 5'-TTGGCCAGTTTATTGAATTATTACCCAGCCTAGAGTTTATTTCACTGGATCAGATGTTTC[G>A]TGAACCACCCAAGGTAAGATACATTTGAGGGAGTTTTTGTTTATTTTGATAGGAAAGAAA-3'
Protein context (NP_995308.1, residues 455-475): LEFISLDQMF[Arg465His]EPPKGCARVG

ClinVar aggregate classification (germline): Conflicting classifications of pathogenicity. Review status: criteria provided, conflicting classifications (1 of 4 stars). 3 submissions from 3 submitters: Uncertain significance (1); Benign (1); Likely benign (1). Last evaluated 2026-08-01.

Conditions:
Distal hereditary motor neuropathy type 2. Identifiers: Orphanet 139525, MedGen C3711384, MeSH C580044, MONDO:0015352.

Allele frequency attached by ClinVar (database versions not stated): gnomAD 0.00010 and 0.00011; gnomAD exomes 0.00014 and 0.00030; ESP Exome Variant Server 0.00015; ExAC 0.00029; TOPMed 0.00015.
gnomAD v4.1: 226 of 1,598,280 alleles (0.014%); highest among the groups gnomAD compares: Middle Eastern, 0.017%; no homozygotes.

Submissions (3):

GeneDx
Classification: Uncertain significance. Last evaluated: 2026-08-01. Review status: criteria provided, single submitter. Criteria: GeneDx Variant Classification Process June 2021. Collection method: clinical testing. Allele origin: germline.
Comment: In silico analysis supports that this missense variant has a deleterious effect on protein structure/function; Has not been previously published as pathogenic or benign to our knowledge

Labcorp Genetics (formerly Invitae), Labcorp
Classification: Benign for Distal hereditary motor neuropathy type 2. Last evaluated: 2025-10-18. Review status: criteria provided, single submitter. Criteria: Invitae Variant Classification Sherloc (09022015). Collection method: clinical testing. Allele origin: germline.

Ambry Genetics
Classification: Likely benign. Last evaluated: 2020-06-30. Review status: criteria provided, single submitter. Criteria: Ambry Variant Classification Scheme 2023. Collection method: clinical testing. Allele origin: germline.